The following is an entry in ClinVar:

NM_002691.4(POLD1):c.2007-2A>G

Gene: POLD1 (DNA polymerase delta 1, catalytic subunit; plus strand). Cytogenetic location: 19q13.33.
Variant type: single nucleotide variant.
Coding change: c.2007-2A>G on transcript NM_002691.4 (MANE Select); the canonical splice acceptor site of the intron before coding-DNA position 2007, A replaced by G.
Molecular consequence: splice acceptor variant.
Genome position (GRCh38, 1-based): chr19:50,409,517, A>G. VCF-style: chr19-50409517-A-G. GRCh37 (hg19) VCF-style: chr19-50912774-A-G.
Other names: c.2007-2A>G (NM_001256849.1); c.2085-2A>G (NM_001308632.1).
Identifiers: ClinVar variation 3725079 (VCV003725079.2).
Genomic context (GRCh38, chr19:50,409,517, plus strand): 5'-AAAGGAGCCCTGACCAATGCCCAGGTGCCGCCTGAGTGTGCTTTCCCCGTGTTCCCTCGC[A>G]GGGCCAAGGCCGAGCTGGCCAAGGAGACAGACCCCCTCCGGCGCCAGGTCCTGGATGGAC-3'

ClinVar aggregate classification (germline): Uncertain significance (1 of 4 stars; one submission).

Conditions:
POLD1-related polyposis and colorectal cancer syndrome (CRCS10). Also called: Colorectal cancer 10; COLORECTAL CANCER, SUSCEPTIBILITY TO, ON CHROMOSOME 19q; Colorectal cancer, susceptibility to, 10. Identifiers: Orphanet 220460, MedGen C2675481, MONDO:0012953, OMIM 612591.

Submission:

Labcorp Genetics (formerly Invitae), Labcorp
Classification: Uncertain significance for POLD1-related polyposis and colorectal cancer syndrome. Last evaluated: 2024-11-13. Review status: criteria provided, single submitter. Criteria: Invitae Variant Classification Sherloc (09022015). Collection method: clinical testing. Allele origin: germline.
Comment: This sequence change affects an acceptor splice site in intron 16 of the POLD1 gene. Missense variants that disrupt the 3'-5' exonuclease (proof-reading) activity of the POLD1 protein are associated with PPAP (polymerase proofreading–associated polyposis) (PMID: 23263490, 23447401). However, loss-of-function variants that result in an absent or severely disrupted POLD1 protein, and missense variants outside the exonuclease domain, are unlikely to be associated with PPAP. This variant is not present in population databases (gnomAD no frequency). This variant has not been reported in the literature in individuals affected with POLD1-related conditions. Studies have shown that disruption of this splice site results in skipping of exon 17 and introduces a premature termination codon (internal data). The resulting mRNA is expected to undergo nonsense-mediated decay. In summary, the available evidence is currently insufficient to determine the role of this variant in disease. Therefore, it has been classified as a Variant of Uncertain Significance.

Literature cited by the submitters: PubMed 23263490; PubMed 23447401.